The following is an entry in ClinVar:

ClinVar aggregate classification (germline): Uncertain significance (1 of 4 stars; one submission).

Conditions:
Cardiovascular phenotype. Identifiers: MedGen CN230736.

Allele frequency attached by ClinVar (database versions not stated): gnomAD exomes below 0.00001.
gnomAD v4.1: 1 of 1,287,244 alleles (0.000078%); highest among the groups gnomAD compares: Non-Finnish European, 0.000098%; no homozygotes.

Submission:

Ambry Genetics
Classification: Uncertain significance for Cardiovascular phenotype. Last evaluated: 2020-08-25. Review status: criteria provided, single submitter. Criteria: Ambry Variant Classification Scheme 2023. Collection method: clinical testing. Allele origin: germline.
Comment: The p.D142G variant (also known as c.425A>G), located in coding exon 1 of the HCN4 gene, results from an A to G substitution at nucleotide position 425. The aspartic acid at codon 142 is replaced by glycine, an amino acid with similar properties. This missense alteration is located in a region that has a low rate of benign missense variation (Lek M et al. Nature. 2016 Aug 18;536(7616):285-91; DECIPHER: Database of Chromosomal Imbalance and Phenotype in Humans using Ensembl Resources. Firth H.V. et al. 2009. Am.J.Hum.Genet. 84, 524-533 (DOI)). This amino acid position is well conserved in available vertebrate species; however, glycine is the reference amino acid in other vertebrate species. In addition, the in silico prediction for this alteration is inconclusive. Since supporting evidence is limited at this time, the clinical significance of this alteration remains unclear.

NM_005477.3(HCN4):c.425A>G (p.Asp142Gly)

Gene: HCN4 (hyperpolarization activated cyclic nucleotide gated potassium channel 4; minus strand). Cytogenetic location: 15q24.1.
Variant type: single nucleotide variant.
Coding change: c.425A>G on transcript NM_005477.3 (MANE Select); coding-DNA position 425, A replaced by G.
Protein change: p.Asp142Gly; replaces aspartic acid 142 with glycine.
Molecular consequence: missense variant.
Genome position (GRCh38, 1-based): chr15:73,367,846, T>C on the plus strand (A>G on the coding strand, the complement: HCN4 is on the minus strand). VCF-style: chr15-73367846-T-C. GRCh37 (hg19) VCF-style: chr15-73660187-T-C.
Other names: short protein forms D142G.
Identifiers: ClinVar variation 1739145 (VCV001739145.2), dbSNP rs2549080381, ClinGen allele CA393098061.